The following is an entry in ClinVar:

NM_000388.4(CASR):c.2938G>A (p.Asp980Asn)

Gene: CASR (calcium sensing receptor; plus strand). Cytogenetic location: 3q21.1.
Variant type: single nucleotide variant.
Coding change: c.2938G>A on transcript NM_000388.4 (MANE Select); coding-DNA position 2938, G replaced by A.
Protein change: p.Asp980Asn; replaces aspartic acid 980 with asparagine.
Molecular consequence: missense variant.
Genome position (GRCh38, 1-based): chr3:122,284,892, G>A. VCF-style: chr3-122284892-G-A. GRCh37 (hg19) VCF-style: chr3-122003739-G-A.
Other names: c.2968G>A, p.Asp990Asn (NM_001178065.2); short protein forms D980N, D990N.
Identifiers: ClinVar variation 1018361 (VCV001018361.11), dbSNP rs1268294939, ClinGen allele CA354161098.

ClinVar aggregate classification (germline): Uncertain significance. Review status: criteria provided, multiple submitters, no conflicts (2 of 4 stars). 2 submissions from 2 submitters: Uncertain significance (2). Last evaluated 2023-10-22.

Conditions:
Autosomal dominant hypocalcemia 1 (HYPOC1). Also called: HYPOCALCEMIA, FAMILIAL. Identifiers: MedGen C3715128, MONDO:0011013, OMIM 601198.
Familial hypocalciuric hypercalcemia (FHH). Also called: Familial benign hypercalcemia. Identifiers: Orphanet 405, MedGen C1809471, MONDO:0018458.
Nephrolithiasis/nephrocalcinosis. Identifiers: MedGen CN580796.

Allele frequency attached by ClinVar (database versions not stated): TOPMed below 0.00001; gnomAD 0.00001.
gnomAD v4.1: 2 of 1,614,084 alleles (0.00012%); highest among the groups gnomAD compares: African/African-American, 0.0027%; no homozygotes.

Submissions (2):

Labcorp Genetics (formerly Invitae), Labcorp
Classification: Uncertain significance for Familial hypocalciuric hypercalcemia; Autosomal dominant hypocalcemia 1. Last evaluated: 2023-10-22. Review status: criteria provided, single submitter. Criteria: Invitae Variant Classification Sherloc (09022015). Collection method: clinical testing. Allele origin: germline.
Comment: This sequence change replaces aspartic acid, which is acidic and polar, with asparagine, which is neutral and polar, at codon 980 of the CASR protein (p.Asp980Asn). This variant is present in population databases (no rsID available, gnomAD 0.01%). This variant has not been reported in the literature in individuals affected with CASR-related conditions. ClinVar contains an entry for this variant (Variation ID: 1018361). An algorithm developed to predict the effect of missense changes on protein structure and function (PolyPhen-2) suggests that this variant is likely to be tolerated. In summary, the available evidence is currently insufficient to determine the role of this variant in disease. Therefore, it has been classified as a Variant of Uncertain Significance.

Ambry Genetics
Classification: Uncertain significance for Nephrolithiasis/nephrocalcinosis. Last evaluated: 2021-08-24. Review status: criteria provided, single submitter. Criteria: Ambry Variant Classification Scheme 2023. Collection method: clinical testing. Allele origin: germline.
Comment: The p.D980N variant (also known as c.2938G>A), located in coding exon 6 of the CASR gene, results from a G to A substitution at nucleotide position 2938. The aspartic acid at codon 980 is replaced by asparagine, an amino acid with highly similar properties. This amino acid position is conserved. In addition, this alteration is predicted to be tolerated by in silico analysis. Since supporting evidence is limited at this time, the clinical significance of this alteration remains unclear.